The following is an entry in ClinVar:

ClinVar aggregate classification (germline): Uncertain significance (1 of 4 stars; one submission).

Submission:

GeneDx
Classification: Uncertain significance. Last evaluated: 2022-04-28. Review status: criteria provided, single submitter. Criteria: GeneDx Variant Classification Process June 2021. Collection method: clinical testing. Allele origin: germline. Affected: yes.
Comment: Not observed at significant frequency in large population cohorts (gnomAD); In silico analysis supports that this missense variant has a deleterious effect on protein structure/function; Has not been previously published as pathogenic or benign to our knowledge

NM_001005273.3(CHD3):c.1523G>C (p.Arg508Pro)

Gene: CHD3 (chromodomain helicase DNA binding protein 3; plus strand). Cytogenetic location: 17p13.1.
Variant type: single nucleotide variant.
Coding change: c.1523G>C on transcript NM_001005273.3 (MANE Select); coding-DNA position 1523, G replaced by C.
Protein change: p.Arg508Pro; replaces arginine 508 with proline.
Molecular consequence: missense variant.
Genome position (GRCh38, 1-based): chr17:7,895,358, G>C. VCF-style: chr17-7895358-G-C. GRCh37 (hg19) VCF-style: chr17-7798676-G-C.
Other names: c.1700G>C, p.Arg567Pro (NM_001005271.3); c.1523G>C, p.Arg508Pro (NM_005852.4); short protein forms R508P, R567P.
Identifiers: ClinVar variation 1712642 (VCV001712642.2), dbSNP rs1969494843, ClinGen allele CA397939896.